The following is an entry in ClinVar:

ClinVar aggregate classification (germline): Likely benign. Review status: criteria provided, multiple submitters, no conflicts (2 of 4 stars). 4 submissions from 4 submitters: Likely benign (3). 1 of the submissions does not count toward it. Last evaluated 2026-01-19.

Conditions:
NHP2-related disorder. Also called: NHP2-related condition.
Dyskeratosis congenita. Identifiers: Orphanet 1775, MedGen C0265965, MONDO:0015780.

Allele frequency attached by ClinVar (database versions not stated): gnomAD exomes 0.00001 and 0.00002; ExAC 0.00002; gnomAD 0.00002 and 0.00003; TOPMed 0.00002; 1000 Genomes Project 30x 0.00016; 1000 Genomes Project 0.00020.
gnomAD v4.1: 22 of 1,614,200 alleles (0.0014%); highest among the groups gnomAD compares: East Asian, 0.025%; no homozygotes.

Submissions (4):

Labcorp Genetics (formerly Invitae), Labcorp
Classification: Likely benign for Dyskeratosis congenita. Last evaluated: 2026-01-19. Review status: criteria provided, single submitter. Criteria: Invitae Variant Classification Sherloc (09022015). Collection method: clinical testing. Allele origin: germline.

Mayo Clinic Laboratories, Mayo Clinic
Classification: Likely benign. Last evaluated: 2025-06-16. Review status: criteria provided, single submitter. Criteria: ACMG Guidelines, 2015. Collection method: clinical testing. Allele origin: germline. Observed: 1 variant allele.
Comment: BP4, BP7

Blueprint Genetics
Classification: Likely benign. Last evaluated: 2020-01-07. Review status: criteria provided, single submitter. Criteria: ACMG Guidelines, 2015. Collection method: clinical testing. Allele origin: germline.

PreventionGenetics, part of Exact Sciences
Classification: Likely benign for NHP2-related condition. Last evaluated: 2019-03-25. Review status: no assertion criteria provided. Collection method: clinical testing. Allele origin: germline. Not counted in ClinVar's aggregate classification.
Comment: This variant is classified as likely benign based on ACMG/AMP sequence variant interpretation guidelines (Richards et al. 2015 PMID: 25741868, with internal and published modifications).

NM_017838.4(NHP2):c.195A>G (p.Lys65=)

Gene: NHP2 (NHP2 ribonucleoprotein; minus strand). Cytogenetic location: 5q35.3.
Variant type: single nucleotide variant.
Coding change: c.195A>G on transcript NM_017838.4 (MANE Select); coding-DNA position 195, A replaced by G.
Protein change: p.Lys65=; no amino-acid change (lysine 65 retained).
Molecular consequence: synonymous variant.
Genome position (GRCh38, 1-based): chr5:178,153,526, T>C on the plus strand (A>G on the coding strand, the complement: NHP2 is on the minus strand). VCF-style: chr5-178153526-T-C. GRCh37 (hg19) VCF-style: chr5-177580527-T-C.
Other names: p.Lys65=; c.195A>G (NM_017838.3); c.195A>G, p.Lys65= (NM_001034833.2).
Identifiers: ClinVar variation 1149370 (VCV001149370.13), dbSNP rs543057099, ClinGen allele CA3589225.